The following is an entry in ClinVar:

ClinVar aggregate classification (germline): Likely benign. Review status: criteria provided, single submitter (1 of 4 stars). 2 submissions from 2 submitters: Likely benign (1). 1 of the submissions does not count toward it. Last evaluated 2023-08-17.

Conditions:
PPP2R5D-related disorder. Also called: PPP2R5D-related condition.

Allele frequency attached by ClinVar (database versions not stated): ExAC 0.00001; gnomAD 0.00001.
gnomAD v4.1: 1 of 1,613,948 alleles (0.000062%); highest among the groups gnomAD compares: Admixed American, 0.0017%; no homozygotes.

Submissions (2):

Labcorp Genetics (formerly Invitae), Labcorp
Classification: Likely benign. Last evaluated: 2023-08-17. Review status: criteria provided, single submitter. Criteria: Invitae Variant Classification Sherloc (09022015). Collection method: clinical testing. Allele origin: germline.

PreventionGenetics, part of Exact Sciences
Classification: Likely benign for PPP2R5D-related condition. Last evaluated: 2020-12-24. Review status: no assertion criteria provided. Collection method: clinical testing. Allele origin: germline. Not counted in ClinVar's aggregate classification.
Comment: This variant is classified as likely benign based on ACMG/AMP sequence variant interpretation guidelines (Richards et al. 2015 PMID: 25741868, with internal and published modifications).

NM_006245.4(PPP2R5D):c.474T>C (p.His158=)

Gene: PPP2R5D (protein phosphatase 2 regulatory subunit B'delta; plus strand). Cytogenetic location: 6p21.1.
Variant type: single nucleotide variant.
Coding change: c.474T>C on transcript NM_006245.4 (MANE Select); coding-DNA position 474, T replaced by C.
Protein change: p.His158=; no amino-acid change (histidine 158 retained).
Molecular consequence: synonymous variant.
Genome position (GRCh38, 1-based): chr6:43,007,062, T>C. VCF-style: chr6-43007062-T-C. GRCh37 (hg19) VCF-style: chr6-42974800-T-C.
Other names: c.21T>C, p.His7= (NM_001270476.2); c.378T>C, p.His126= (NM_180976.3); c.156T>C, p.His52= (NM_180977.3); c.474T>C (NM_006245.3).
Identifiers: ClinVar variation 2176276 (VCV002176276.6), dbSNP rs199797554, ClinGen allele CA3811824.